The following is an entry in ClinVar:

NM_000059.4(BRCA2):c.3275T>C (p.Phe1092Ser)

Gene: BRCA2 (BRCA2 DNA repair associated; plus strand). Cytogenetic location: 13q13.1.
Variant type: single nucleotide variant.
Coding change: c.3275T>C on transcript NM_000059.4 (MANE Select); coding-DNA position 3275, T replaced by C.
Protein change: p.Phe1092Ser; replaces phenylalanine 1092 with serine.
Molecular consequence: missense variant. On other transcripts: non-coding transcript variant (1), intron variant (2).
Genome position (GRCh38, 1-based): chr13:32,337,630, T>C. VCF-style: chr13-32337630-T-C. GRCh37 (hg19) VCF-style: chr13-32911767-T-C.
Other names: c.3275T>C, p.Phe1092Ser (NM_001406719.1, NM_001406720.1, NM_001432077.1); c.1909+4243T>C (NM_001406721.1); c.424+6600T>C (NM_001406722.1); short protein forms F1092S.
Identifiers: ClinVar variation 3381661 (VCV003381661.1).

ClinVar aggregate classification (germline): Uncertain significance (1 of 4 stars; one submission).

Submission:

GeneDx
Classification: Uncertain significance. Last evaluated: 2024-05-20. Review status: criteria provided, single submitter. Criteria: GeneDx Variant Classification Process June 2021. Collection method: clinical testing. Allele origin: germline. Affected: yes.
Comment: Not observed at significant frequency in large population cohorts (gnomAD); In silico analysis indicates that this missense variant does not alter protein structure/function; Has not been previously published as pathogenic or benign to our knowledge; Also known as 3503T>C